The following is an entry in ClinVar:

NM_002519.3(NPAT):c.3230A>G (p.Gln1077Arg)

Gene: NPAT (nuclear protein, coactivator of histone transcription; minus strand). Cytogenetic location: 11q22.3.
Variant type: single nucleotide variant.
Coding change: c.3230A>G on transcript NM_002519.3 (MANE Select); coding-DNA position 3230, A replaced by G.
Protein change: p.Gln1077Arg; replaces glutamine 1077 with arginine.
Molecular consequence: missense variant.
Genome position (GRCh38, 1-based): chr11:108,161,856, T>C on the plus strand (A>G on the coding strand, the complement: NPAT is on the minus strand). VCF-style: chr11-108161856-T-C. GRCh37 (hg19) VCF-style: chr11-108032583-T-C.
Other names: c.3251A>G, p.Gln1084Arg (NM_001321307.1); short protein forms Q1077R, Q1084R.
Identifiers: ClinVar variation 1729190 (VCV001729190.2), dbSNP rs1158508107, ClinGen allele CA382511265.

ClinVar aggregate classification (germline): Uncertain significance (1 of 4 stars; one submission).

Allele frequency attached by ClinVar (database versions not stated): TOPMed below 0.00001; gnomAD 0.00001; gnomAD exomes 0.00002.
gnomAD v4.1: 23 of 1,614,012 alleles (0.0014%); highest among the groups gnomAD compares: Non-Finnish European, 0.0019%; no homozygotes.

Submission:

Ambry Genetics
Classification: Uncertain significance. Last evaluated: 2022-05-06. Review status: criteria provided, single submitter. Criteria: Ambry Variant Classification Scheme 2023. Collection method: clinical testing. Allele origin: germline.
Comment: The p.Q1077R variant (also known as c.3230A>G), located in coding exon 17 of the NPAT gene, results from an A to G substitution at nucleotide position 3230. The glutamine at codon 1077 is replaced by arginine, an amino acid with highly similar properties. This amino acid position is conserved. In addition, this alteration is predicted to be tolerated by in silico analysis. Since supporting evidence is limited at this time, the clinical significance of this alteration remains unclear.